The following is an entry in ClinVar:

ClinVar aggregate classification (germline): Likely benign. Review status: criteria provided, multiple submitters, no conflicts (2 of 4 stars). 3 submissions from 3 submitters: Likely benign (3). Last evaluated 2025-12-16.

Conditions:
Autosomal recessive limb-girdle muscular dystrophy type 2J (LGMDR10). Also called: Limb-girdle muscular dystrophy, type 2J; MUSCULAR DYSTROPHY, LIMB-GIRDLE, AUTOSOMAL RECESSIVE 10. Identifiers: Orphanet 140922, MedGen C1837342, MONDO:0012127, OMIM 608807.
Dilated cardiomyopathy 1G (CMD1G). Identifiers: Orphanet 154, MedGen C1858763, MONDO:0011400, OMIM 604145.

Allele frequency attached by ClinVar (database versions not stated): gnomAD exomes below 0.00001; ExAC 0.00001; gnomAD 0.00001.
gnomAD v4.1: 7 of 1,612,748 alleles (0.00043%); highest among the groups gnomAD compares: Non-Finnish European, 0.00059%; no homozygotes.

Submissions (3):

Labcorp Genetics (formerly Invitae), Labcorp
Classification: Likely benign for Dilated cardiomyopathy 1G; Autosomal recessive limb-girdle muscular dystrophy type 2J. Last evaluated: 2025-12-16. Review status: criteria provided, single submitter. Criteria: Invitae Variant Classification Sherloc (09022015). Collection method: clinical testing. Allele origin: germline.

Blueprint Genetics
Classification: Likely benign. Last evaluated: 2023-11-21. Review status: criteria provided, single submitter. Criteria: ACMG Guidelines, 2015. Collection method: clinical testing. Allele origin: germline.

GeneDx
Classification: Likely benign. Last evaluated: 2016-06-02. Review status: criteria provided, single submitter. Criteria: GeneDx Variant Classification (06012015). Collection method: clinical testing. Allele origin: germline. Affected: yes.
Comment: This variant is considered likely benign or benign based on one or more of the following criteria: it is a conservative change, it occurs at a poorly conserved position in the protein, it is predicted to be benign by multiple in silico algorithms, and/or has population frequency not consistent with disease.

NM_001267550.2(TTN):c.51015T>C (p.Asn17005=)

Genes: TTN (titin; minus strand), TTN-AS1 (TTN antisense RNA 1; plus strand). Cytogenetic location: 2q31.2.
Variant type: single nucleotide variant.
Coding change: c.51015T>C on transcript NM_001267550.2 (MANE Select); coding-DNA position 51015, T replaced by C.
Protein change: p.Asn17005=; no amino-acid change (asparagine 17005 retained).
Molecular consequence: synonymous variant.
Genome position (GRCh38, 1-based): chr2:178,611,114, A>G on the plus strand (T>C on the coding strand, the complement: TTN is on the minus strand). VCF-style: chr2-178611114-A-G. GRCh37 (hg19) VCF-style: chr2-179475841-A-G.
Other names: c.46092T>C, p.Asn15364= (NM_001256850.1); c.23820T>C, p.Asn7940= (NM_003319.4); c.43311T>C, p.Asn14437= (NM_133378.4); c.24195T>C, p.Asn8065= (NM_133432.3); c.24396T>C, p.Asn8132= (NM_133437.4).
Identifiers: ClinVar variation 386634 (VCV000386634.7), dbSNP rs752077995, ClinGen allele CA1994263.
Genomic context (GRCh38, chr2:178,611,114, plus strand): 5'-ATAAATTCCGGCATCTGCACGGACACTCTTGGGAACTTCAAGGTGTGCAGAGATGTGATC[A>G]TTCTTCATTGTTAATCTATCACTTGCTTTAACTTCTTTGCCATCTTTATGCCAACTAACA-3'
Protein context (NP_001254479.2, residues 16995-17015): VKASDRLTMK[Asn17005=]DHISAHLEVP